The following is an entry in ClinVar:

ClinVar aggregate classification (germline): Likely benign. Review status: criteria provided, multiple submitters, no conflicts (2 of 4 stars). 10 submissions from 10 submitters: Likely benign (7). 3 of the submissions do not count toward it. Last evaluated 2025-12-27.

Conditions:
SMAD3-related disorder. Also called: SMAD3-related condition.
Familial thoracic aortic aneurysm and aortic dissection (TAAD). Also called: Thoracic aortic aneurysms and dissections. Identifiers: Orphanet 91387, MedGen C4707243, MONDO:0019625.

Allele frequency attached by ClinVar (database versions not stated): gnomAD 0.00004 and 0.00006; TOPMed 0.00005; ESP Exome Variant Server 0.00008; gnomAD exomes 0.00008 and 0.00009; ExAC 0.00009; 1000 Genomes Project 0.00040; 1000 Genomes Project 30x 0.00047.
gnomAD v4.1: 141 of 1,614,160 alleles (0.0087%); highest among the groups gnomAD compares: Middle Eastern, 0.033%; 1 homozygote.

Submissions (10):

Labcorp Genetics (formerly Invitae), Labcorp
Classification: Likely benign for Familial thoracic aortic aneurysm and aortic dissection. Last evaluated: 2025-12-27. Review status: criteria provided, single submitter. Criteria: Invitae Variant Classification Sherloc (09022015). Collection method: clinical testing. Allele origin: germline.

Blueprint Genetics
Classification: Likely benign. Last evaluated: 2024-11-08. Review status: criteria provided, single submitter. Criteria: ACMG Guidelines, 2015. Collection method: clinical testing. Allele origin: germline.

CeGaT Center for Human Genetics Tuebingen
Classification: Likely benign. Last evaluated: 2024-04-01. Review status: criteria provided, single submitter. Criteria: CeGaT Center For Human Genetics Tuebingen Variant Classification Criteria Version 2. Collection method: clinical testing. Allele origin: germline. Affected: yes. Observed: 1 variant allele.
Comment: SMAD3: BP4, BP7

Color Diagnostics, LLC DBA Color Health
Classification: Likely benign for Familial thoracic aortic aneurysm and aortic dissection. Last evaluated: 2018-10-18. Review status: criteria provided, single submitter. Criteria: ACMG Guidelines, 2015. Collection method: clinical testing. Allele origin: germline.

ARUP Laboratories, Molecular Genetics and Genomics, ARUP Laboratories
Classification: Likely benign. Last evaluated: 2017-04-25. Review status: criteria provided, single submitter. Criteria: ARUP Molecular Germline Variant Investigation Process. Collection method: clinical testing. Allele origin: germline.

Ambry Genetics
Classification: Likely benign for Familial thoracic aortic aneurysm and aortic dissection. Last evaluated: 2016-08-24. Review status: criteria provided, single submitter. Criteria: Ambry Variant Classification Scheme 2023. Collection method: clinical testing. Allele origin: germline.

Breakthrough Genomics
Classification: Likely benign. Review status: criteria provided, single submitter. Criteria: ACMG Guidelines, 2015. Collection method: not provided. Allele origin: germline. Inheritance: Autosomal dominant inheritance. Affected: yes.

PreventionGenetics, part of Exact Sciences
Classification: Likely benign for SMAD3-related condition. Last evaluated: 2019-05-07. Review status: no assertion criteria provided. Collection method: clinical testing. Allele origin: germline. Not counted in ClinVar's aggregate classification.
Comment: This variant is classified as likely benign based on ACMG/AMP sequence variant interpretation guidelines (Richards et al. 2015 PMID: 25741868, with internal and published modifications).

Clinical Genetics DNA and cytogenetics Diagnostics Lab, Erasmus MC, Erasmus Medical Center
Classification: Likely benign. Review status: no assertion criteria provided. Collection method: clinical testing. Allele origin: germline. Affected: yes. Study: VKGL Data-share Consensus. Not counted in ClinVar's aggregate classification.

Genome Diagnostics Laboratory, Amsterdam University Medical Center
Classification: Likely benign. Review status: no assertion criteria provided. Collection method: clinical testing. Allele origin: germline. Affected: yes. Study: VKGL Data-share Consensus. Not counted in ClinVar's aggregate classification.

NM_005902.4(SMAD3):c.1125C>T (p.Ser375=)

Gene: SMAD3 (SMAD family member 3; plus strand). Cytogenetic location: 15q22.33.
Variant type: single nucleotide variant.
Coding change: c.1125C>T on transcript NM_005902.4 (MANE Select); coding-DNA position 1125, C replaced by T.
Protein change: p.Ser375=; no amino-acid change (serine 375 retained).
Molecular consequence: synonymous variant.
Genome position (GRCh38, 1-based): chr15:67,187,480, C>T. VCF-style: chr15-67187480-C-T. GRCh37 (hg19) VCF-style: chr15-67479818-C-T.
Other names: c.810C>T, p.Ser270= (NM_001145102.2); c.993C>T, p.Ser331= (NM_001145103.2); c.540C>T, p.Ser180= (NM_001145104.2).
Identifiers: ClinVar variation 316864 (VCV000316864.51), dbSNP rs144245324, ClinGen allele CA061601.